The following is an entry in ClinVar:

NM_031475.3(ESPN):c.2406-3C>T

Gene: ESPN (espin; plus strand). Cytogenetic location: 1p36.31.
Variant type: single nucleotide variant.
Coding change: c.2406-3C>T on transcript NM_031475.3 (MANE Select); 3 bases into the intron before coding-DNA position 2406, C replaced by T.
Molecular consequence: intron variant.
Genome position (GRCh38, 1-based): chr1:6,457,358, C>T. VCF-style: chr1-6457358-C-T. GRCh37 (hg19) VCF-style: chr1-6517418-C-T.
Other names: c.2343-3C>T (NM_001367474.1); c.2316-3C>T (NM_001367473.1).
Identifiers: ClinVar variation 4084577 (VCV004084577.9).

ClinVar aggregate classification (germline): Conflicting classifications of pathogenicity. Review status: criteria provided, conflicting classifications (1 of 4 stars). 2 submissions from 2 submitters: Uncertain significance (1); Likely benign (1). Last evaluated 2025-07-01.

gnomAD v4.1: 7 of 1,614,182 alleles (0.00043%); highest among the groups gnomAD compares: South Asian, 0.0066%; no homozygotes.

Submissions (2):

CeGaT Center for Human Genetics Tuebingen
Classification: Uncertain significance. Last evaluated: 2025-07-01. Review status: criteria provided, single submitter. Criteria: CeGaT Center For Human Genetics Tuebingen Variant Classification Criteria Version 2. Collection method: clinical testing. Allele origin: germline. Affected: yes. Observed: 1 variant allele.
Comment: ESPN: PM2, BP4

Blueprint Genetics
Classification: Likely benign. Last evaluated: 2023-01-13. Review status: criteria provided, single submitter. Criteria: ACMG Guidelines, 2015. Collection method: clinical testing. Allele origin: germline.